The following is an entry in ClinVar:

ClinVar aggregate classification (germline): Likely benign (0 of 4 stars; one submission).

Conditions:
LGI4-related disorder. Also called: LGI4-related condition.

Allele frequency attached by ClinVar (database versions not stated): ExAC 0.00001; gnomAD 0.00001; TOPMed 0.00001; ESP Exome Variant Server 0.00008.

Submission:

PreventionGenetics, part of Exact Sciences
Classification: Likely benign for LGI4-related condition. Last evaluated: 2020-03-10. Review status: no assertion criteria provided. Collection method: clinical testing. Allele origin: germline.
Comment: This variant is classified as likely benign based on ACMG/AMP sequence variant interpretation guidelines (Richards et al. 2015 PMID: 25741868, with internal and published modifications).

NM_139284.3(LGI4):c.793+7C>T

Gene: LGI4 (leucine rich repeat LGI family member 4; minus strand). Cytogenetic location: 19q13.12.
Variant type: single nucleotide variant.
Coding change: c.793+7C>T on transcript NM_139284.3 (MANE Select); 7 bases into the intron after coding-DNA position 793, C replaced by T.
Molecular consequence: intron variant.
Genome position (GRCh38, 1-based): chr19:35,126,846, G>A on the plus strand (C>T on the coding strand, the complement: LGI4 is on the minus strand). VCF-style: chr19-35126846-G-A. GRCh37 (hg19) VCF-style: chr19-35617750-G-A.
Identifiers: ClinVar variation 3057365 (VCV003057365.2), dbSNP rs370620680, ClinGen allele CA9373250.